The following is an entry in ClinVar:

NM_015702.3(MMADHC):c.372+1G>A

Gene: MMADHC (metabolism of cobalamin associated D; minus strand). Cytogenetic location: 2q23.2.
Variant type: single nucleotide variant.
Coding change: c.372+1G>A on transcript NM_015702.3 (MANE Select); the canonical splice donor site of the intron after coding-DNA position 372, G replaced by A.
Molecular consequence: splice donor variant.
Genome position (GRCh38, 1-based): chr2:149,579,430, C>T on the plus strand (G>A on the coding strand, the complement: MMADHC is on the minus strand). VCF-style: chr2-149579430-C-T. GRCh37 (hg19) VCF-style: chr2-150435944-C-T.
Identifiers: ClinVar variation 1470139 (VCV001470139.10), dbSNP rs755561981, ClinGen allele CA1902443.
Genomic context (GRCh38, chr2:149,579,430, plus strand): 5'-ATAATCAAGTCATATAGCATTAATAATCAGGAAAGCACAATAAATGTTACCAACAATTTA[C>T]CTGAAATTCATTCACATATTGTGCCATCACAAACTCATGTCTTTCACTTGATAAAGGTTC-3'

ClinVar aggregate classification (germline): Likely pathogenic (1 of 4 stars; one submission).

Conditions:
Methylmalonic aciduria and homocystinuria type cblD (MAHCD). Also called: METHYLMALONIC ACIDEMIA, cblH TYPE; Methylmalonic aciduria with homocystinuria cblD type. Identifiers: Orphanet 622, Orphanet 79283, MedGen C1848552, MONDO:0010185, OMIM 277410.

Allele frequency attached by ClinVar (database versions not stated): gnomAD exomes 0.00001; ExAC 0.00002.

Submission:

Labcorp Genetics (formerly Invitae), Labcorp
Classification: Likely pathogenic for Methylmalonic aciduria and homocystinuria type cblD. Last evaluated: 2024-01-24. Review status: criteria provided, single submitter. Criteria: Invitae Variant Classification Sherloc (09022015). Collection method: clinical testing. Allele origin: germline.
Comment: This sequence change affects a donor splice site in intron 4 of the MMADHC gene. It is expected to disrupt RNA splicing. Variants that disrupt the donor or acceptor splice site typically lead to a loss of protein function (PMID: 16199547), and loss-of-function variants in MMADHC are known to be pathogenic (PMID: 18385497). This variant is present in population databases (rs755561981, gnomAD 0.01%). This variant has not been reported in the literature in individuals affected with MMADHC-related conditions. ClinVar contains an entry for this variant (Variation ID: 1470139). Algorithms developed to predict the effect of sequence changes on RNA splicing suggest that this variant may disrupt the consensus splice site. In summary, the currently available evidence indicates that the variant is pathogenic, but additional data are needed to prove that conclusively. Therefore, this variant has been classified as Likely Pathogenic.

Literature cited by the submitters: PubMed 16199547; PubMed 18385497.